The following is an entry in ClinVar:

NM_145868.2(ANXA11):c.111C>T (p.Ile37=)

Gene: ANXA11 (annexin A11; minus strand). Cytogenetic location: 10q22.3.
Variant type: single nucleotide variant.
Coding change: c.111C>T on transcript NM_145868.2 (MANE Select); coding-DNA position 111, C replaced by T.
Protein change: p.Ile37=; no amino-acid change (isoleucine 37 retained).
Molecular consequence: synonymous variant.
Genome position (GRCh38, 1-based): chr10:80,170,860, G>A on the plus strand (C>T on the coding strand, the complement: ANXA11 is on the minus strand). VCF-style: chr10-80170860-G-A. GRCh37 (hg19) VCF-style: chr10-81930616-G-A.
Other names: c.111C>T, p.Ile37= (NM_001157.3, NM_001278407.2, NM_001278408.2 and 1 more transcripts); c.12C>T, p.Ile4= (NM_001278409.2).
Identifiers: ClinVar variation 2169818 (VCV002169818.10), dbSNP rs199500343, ClinGen allele CA5576380.
Genomic context (GRCh38, chr10:80,170,860, plus strand): 5'-CATTCCCGAGAGATAGTCCTGGTTGAACTGCCCCGCATAGGTGGCCACGTTATCCAGCCC[G>A]ATGGGGGGCATGCTGGGCGGAGGAGGGTAGGCAGCACCTCCCCAGGGACCACCACCTGAA-3'
Protein context (NP_665875.1, residues 27-47): AYPPPPSMPP[Ile37=]GLDNVATYAG

ClinVar aggregate classification (germline): Likely benign. Review status: criteria provided, multiple submitters, no conflicts (2 of 4 stars). 2 submissions from 2 submitters: Likely benign (2). Last evaluated 2025-10-01.

Allele frequency attached by ClinVar (database versions not stated): gnomAD 0.00001; gnomAD exomes 0.00002; ExAC 0.00003; TOPMed 0.00005; ESP Exome Variant Server 0.00008.
gnomAD v4.1: 37 of 1,539,598 alleles (0.0024%); highest among the groups gnomAD compares: East Asian, 0.0047%; no homozygotes.

Submissions (2):

CeGaT Center for Human Genetics Tuebingen
Classification: Likely benign. Last evaluated: 2025-10-01. Review status: criteria provided, single submitter. Criteria: CeGaT Center For Human Genetics Tuebingen Variant Classification Criteria Version 2. Collection method: clinical testing. Allele origin: germline. Affected: yes. Observed: 1 variant allele.
Comment: ANXA11: BP4, BP7

Labcorp Genetics (formerly Invitae), Labcorp
Classification: Likely benign. Last evaluated: 2025-03-12. Review status: criteria provided, single submitter. Criteria: Invitae Variant Classification Sherloc (09022015). Collection method: clinical testing. Allele origin: germline.